The following is an entry in ClinVar:

NM_004006.3(DMD):c.2804-1G>T

Gene: DMD (dystrophin; minus strand). Cytogenetic location: Xp21.1.
Variant type: single nucleotide variant.
Coding change: c.2804-1G>T on transcript NM_004006.3 (MANE Select); the canonical splice acceptor site of the intron before coding-DNA position 2804, G replaced by T.
Molecular consequence: splice acceptor variant.
Genome position (GRCh38, 1-based): chrX:32,472,310, C>A on the plus strand (G>T on the coding strand, the complement: DMD is on the minus strand). VCF-style: chrX-32472310-C-A. GRCh37 (hg19) VCF-style: chrX-32490427-C-A.
Other names: c.2780-1G>T (NM_000109.4); c.2792-1G>T (NM_004009.3); c.2435-1G>T (NM_004010.3).
Identifiers: ClinVar variation 455886 (VCV000455886.18), dbSNP rs398123909, ClinGen allele CA412668289.

ClinVar aggregate classification (germline): Pathogenic. Review status: criteria provided, multiple submitters, no conflicts (2 of 4 stars). 6 submissions from 4 submitters: Pathogenic (3). 3 of the submissions do not count toward it. Last evaluated 2024-07-17.

Conditions:
Becker muscular dystrophy, Cardiomyopathy, Duchenne muscular dystrophy, Dystrophin deficiency.
Dilated cardiomyopathy 3B (CMD3B). Also called: CMD3B: DMD-Related Dilated Cardiomyopathy; CARDIOMYOPATHY, DILATED, X-LINKED; DMD-Associated Dilated Cardiomyopathy. Identifiers: Orphanet 154, MedGen C3668940, MONDO:0010542, OMIM 302045.
Becker muscular dystrophy (BMD). Also called: MUSCULAR DYSTROPHY, PSEUDOHYPERTROPHIC PROGRESSIVE, BECKER TYPE; Becker Muscular Dystrophy (BMD). Identifiers: Orphanet 98895, MedGen C0917713, MONDO:0010311, OMIM 300376.
Duchenne muscular dystrophy (DMD). Also called: MUSCULAR DYSTROPHY, PSEUDOHYPERTROPHIC PROGRESSIVE, DUCHENNE TYPE; Duchenne Muscular Dystrophy (DMD). Identifiers: Orphanet 98896, MedGen C0013264, MONDO:0010679, OMIM 310200.

Submissions (6):

Natera, Inc.
Classification: Pathogenic for Becker muscular dystrophy, Cardiomyopathy, Duchenne muscular dystrophy, Dystrophin deficiency. Last evaluated: 2024-07-17. Review status: criteria provided, single submitter. Criteria: Natera Variant Classification Schema (03/2026). Collection method: clinical testing. Allele origin: germline.
Comment: The c.2804-1G>T variant in DMD is a canonical splice acceptor site variant predicted to affect pre-mRNA splicing, which may result in an abnormal transcript and altered protein product. This variant is expected to result in nonsense mediated decay, truncation, or a dysfunctional protein product. This variant is rare in the general population with a frequency below the threshold expected for the associated phenotype(s). This variant has been observed in affected individual(s) with monoallelic occurrence (heterozygous/hemizygous) (PMID: 30833962, 28859693, 23453023). Another variant at this same site results in an alteration predicted to cause a similar molecular effect has been observed in individual(s) with the associated phenotype. Given the available evidence, this variant is classified as Pathogenic.

Labcorp Genetics (formerly Invitae), Labcorp
Classification: Pathogenic for Duchenne muscular dystrophy. Last evaluated: 2018-05-06. Review status: criteria provided, single submitter. Criteria: Invitae Variant Classification Sherloc (09022015). Collection method: clinical testing. Allele origin: germline.
Comment: Algorithms developed to predict the effect of sequence changes on RNA splicing suggest that this variant may disrupt the consensus splice site, but this prediction has not been confirmed by published transcriptional studies. This sequence change affects an acceptor splice site in intron 21 of the DMD gene. It is expected to disrupt RNA splicing and likely results in an absent or disrupted protein product. This variant is not present in population databases (ExAC no frequency). This variant has been reported in individuals affected with Duchene Muscular Dystrophy (PMID: 16770791, 23453023, 28859693). In one of these individuals this variant was reported to be de novo (PMID: 16770791). Donor and acceptor splice site variants typically lead to a loss of protein function (PMID: 16199547), and loss-of-function variants in DMD are known to be pathogenic (PMID: 16770791, 23453023, 25007885). For these reasons, this variant has been classified as Pathogenic.

Eurofins Ntd Llc (ga)
Classification: Pathogenic. Last evaluated: 2017-06-14. Review status: criteria provided, single submitter. Criteria: EGL Classification Definitions 2015. Collection method: clinical testing. Allele origin: germline.

Counsyl
Classification: Likely pathogenic for Becker muscular dystrophy. Last evaluated: 2017-09-22. Review status: no assertion criteria provided. Collection method: clinical testing. Allele origin: unknown. Not counted in ClinVar's aggregate classification.

Counsyl
Classification: Likely pathogenic for Dilated cardiomyopathy 3B. Last evaluated: 2017-09-22. Review status: no assertion criteria provided. Collection method: clinical testing. Allele origin: unknown. Not counted in ClinVar's aggregate classification.

Counsyl
Classification: Likely pathogenic for Duchenne muscular dystrophy. Last evaluated: 2017-09-22. Review status: no assertion criteria provided. Collection method: clinical testing. Allele origin: unknown. Not counted in ClinVar's aggregate classification.

Literature cited by the submitters: PubMed 30833962 (cited by Natera, Inc.); PubMed 28859693 (cited by Natera, Inc. and Labcorp Genetics (formerly Invitae), Labcorp); PubMed 23453023 (cited by 4 submitters); PubMed 16770791 (cited by Labcorp Genetics (formerly Invitae), Labcorp); PubMed 16199547 (cited by Labcorp Genetics (formerly Invitae), Labcorp); PubMed 25007885 (cited by Labcorp Genetics (formerly Invitae), Labcorp).